The following is an entry in ClinVar:

NM_001365276.2(TNXB):c.9099C>T (p.Ser3033=)

Gene: TNXB (tenascin XB; minus strand). Cytogenetic location: 6p21.33.
Variant type: single nucleotide variant.
Coding change: c.9099C>T on transcript NM_001365276.2 (MANE Select); coding-DNA position 9099, C replaced by T.
Protein change: p.Ser3033=; no amino-acid change (serine 3033 retained).
Molecular consequence: synonymous variant.
Genome position (GRCh38, 1-based): chr6:32,052,686, G>A on the plus strand (C>T on the coding strand, the complement: TNXB is on the minus strand). VCF-style: chr6-32052686-G-A. GRCh37 (hg19) VCF-style: chr6-32020463-G-A.
Other names: c.9840C>T, p.Ser3280= (NM_001428335.1); c.9093C>T, p.Ser3031= (NM_019105.8).
Identifiers: ClinVar variation 3227348 (VCV003227348.2), dbSNP rs763345443, ClinGen allele CA3733652.

ClinVar aggregate classification (germline): Likely benign. Review status: criteria provided, multiple submitters, no conflicts (2 of 4 stars). 2 submissions from 2 submitters: Likely benign (2). Last evaluated 2025-05-22.

Conditions:
TNXB-related disorder. Also called: TNXB-related condition.
Cardiovascular phenotype. Identifiers: MedGen CN230736.

Allele frequency attached by ClinVar (database versions not stated): gnomAD 0.00001; gnomAD exomes 0.00001; TOPMed 0.00001; ExAC 0.00003.
gnomAD v4.1: 18 of 1,612,968 alleles (0.0011%); highest among the groups gnomAD compares: Middle Eastern, 0.016%; no homozygotes.

Submissions (2):

PreventionGenetics, part of Exact Sciences
Classification: Likely benign for TNXB-related condition. Last evaluated: 2025-05-22. Review status: criteria provided, single submitter. Criteria: ACMG Guidelines, 2015. Collection method: clinical testing. Allele origin: germline.
Comment: This variant is classified as likely benign based on ACMG/AMP sequence variant interpretation guidelines (Richards et al. 2015 PMID: 25741868, with internal and published modifications).

Ambry Genetics
Classification: Likely benign for Cardiovascular phenotype. Last evaluated: 2024-03-05. Review status: criteria provided, single submitter. Criteria: Ambry Variant Classification Scheme 2023. Collection method: clinical testing. Allele origin: germline.